The following is an entry in ClinVar:

NM_000784.4(CYP27A1):c.691C>T (p.Arg231Ter)

Gene: CYP27A1 (cytochrome P450 family 27 subfamily A member 1; plus strand). Cytogenetic location: 2q35.
Variant type: single nucleotide variant.
Coding change: c.691C>T on transcript NM_000784.4 (MANE Select); coding-DNA position 691, C replaced by T.
Protein change: p.Arg231Ter; replaces arginine 231 with a stop codon.
Molecular consequence: nonsense.
Genome position (GRCh38, 1-based): chr2:218,812,596, C>T. VCF-style: chr2-218812596-C-T. GRCh37 (hg19) VCF-style: chr2-219677319-C-T.
Other names: c.691C>T; short protein forms R231*.
Identifiers: ClinVar variation 65891 (VCV000065891.23), dbSNP rs72551315, ClinGen allele CA345226.

ClinVar aggregate classification (germline): Pathogenic. Review status: criteria provided, multiple submitters, no conflicts (2 of 4 stars). 6 submissions from 6 submitters: Pathogenic (5). 1 of the submissions does not count toward it. Last evaluated 2025-09-25.

Conditions:
Cholestanol storage disease (CTX). Also called: Cerebrotendinous Xanthomatosis; CEREBRAL CHOLESTERINOSIS; CTX: Cerebrotendinous xanthomatosis. Identifiers: Orphanet 909, MedGen C0238052, MONDO:0008948, OMIM 213700.

Allele frequency attached by ClinVar (database versions not stated): TOPMed 0.00002; gnomAD exomes below 0.00001; gnomAD 0.00001.
gnomAD v4.1: 9 of 1,614,076 alleles (0.00056%); highest among the groups gnomAD compares: East Asian, 0.0022%; no homozygotes.

Submissions (6):

Labcorp Genetics (formerly Invitae), Labcorp
Classification: Pathogenic for Cholestanol storage disease. Last evaluated: 2025-09-25. Review status: criteria provided, single submitter. Criteria: Invitae Variant Classification Sherloc (09022015). Collection method: clinical testing. Allele origin: germline.
Comment: This sequence change creates a premature translational stop signal (p.Arg231*) in the CYP27A1 gene. It is expected to result in an absent or disrupted protein product. Loss-of-function variants in CYP27A1 are known to be pathogenic (PMID: 9392430, 10775536, 26937392). This variant is present in population databases (rs72551315, gnomAD 0.06%). This premature translational stop signal has been observed in individual(s) with cerebrotendinous xanthomatosis (PMID: 9392430). This variant is also known as R198X. ClinVar contains an entry for this variant (Variation ID: 65891). For these reasons, this variant has been classified as Pathogenic.

Variantyx, Inc.
Classification: Pathogenic for Cholestanol storage disease. Last evaluated: 2025-04-07. Review status: criteria provided, single submitter. Criteria: Variantyx Assertion Criteria 2022. Collection method: clinical testing. Allele origin: germline. Inheritance: Autosomal recessive inheritance. Affected: no.
Comment: This is a nonsense variant in the CYP27A1 gene (OMIM: 606530). Pathogenic variants in this gene have been associated with autosomal recessive cerebrotendinous xanthomatosis. This variant introduces a premature termination codon in exon 4 out of 9 and is expected to result in loss of function, which is a known disease mechanism for CYP27A1 in this disorder (PMID: 9548584, 26937392) (PVS1). This variant has been identified in the compound heterozygous state in at least one individual reported in the published literature (PMID: 9392430) (PM3), and it has a 0.0022% maximum allele frequency in non-founder control populations (PM2). Based on the current evidence, this variant is classified as pathogenic for autosomal recessive cerebrotendinous xanthomatosis.

Natera, Inc.
Classification: Pathogenic for Cerebrotendinous xanthomatosis. Last evaluated: 2025-03-13. Review status: criteria provided, single submitter. Criteria: Natera Variant Classification Schema (03/2026). Collection method: clinical testing. Allele origin: germline.
Comment: The c.691C>T variant in CYP27A1 is a nonsense variant predicted to introduce a stop codon at amino acid 231. This variant is expected to result in nonsense mediated decay, truncation, or a dysfunctional protein product. This variant is rare in the general population with a frequency below the threshold expected for the associated phenotype(s). This variant has been observed in one or more individuals affected with the associated recessive disease, as either homozygous or compound heterozygous with a second variant (PMID: 9392430, 31536098, 34012265). Given the available evidence, this variant is classified as Pathogenic.

Fulgent Genetics
Classification: Pathogenic for Cholestanol storage disease. Last evaluated: 2024-02-11. Review status: criteria provided, single submitter. Criteria: ACMG Guidelines, 2015. Collection method: clinical testing. Allele origin: germline.

Juno Genomics, Hangzhou Juno Genomics, Inc
Classification: Pathogenic for Cholestanol storage disease. Review status: criteria provided, single submitter. Criteria: ACMG Guidelines, 2015. Collection method: clinical testing. Allele origin: germline.
Comment: Absent from controls (or at extremely low frequency if recessive) in Genome Aggregation Database.;Null variant in a gene where loss of function (LOF) is a known mechanism of disease.;For recessive disorders, detected in trans with a pathogenic variant.;Patient's phenotype or family history is highly specific for a disease with a single genetic etiology.

GeneReviews
Classification: Pathogenic for Cerebrotendinous Xanthomatosis. Last evaluated: 2013-08-01. Review status: no assertion criteria provided. Collection method: curation. Allele origin: unknown. Not counted in ClinVar's aggregate classification.
ClinVar note: Converted during submission from pathologic to Pathogenic.

Literature cited by the submitters: PubMed 9392430 (cited by 3 submitters); PubMed 10775536 (cited by Labcorp Genetics (formerly Invitae), Labcorp and Variantyx, Inc.); PubMed 26937392 (cited by Labcorp Genetics (formerly Invitae), Labcorp and Variantyx, Inc.); PubMed 31536098 (cited by Natera, Inc.); PubMed 34012265 (cited by Natera, Inc.).